The following is an entry in ClinVar:

ClinVar aggregate classification (germline): Uncertain significance (1 of 4 stars; one submission).

Submission:

Labcorp Genetics (formerly Invitae), Labcorp
Classification: Uncertain significance. Last evaluated: 2019-09-27. Review status: criteria provided, single submitter. Criteria: Invitae Variant Classification Sherloc (09022015). Collection method: clinical testing. Allele origin: germline.
Comment: In summary, the available evidence is currently insufficient to determine the role of this variant in disease. Therefore, it has been classified as a Variant of Uncertain Significance. Nucleotide substitutions within the consensus splice site are a relatively common cause of aberrant splicing (PMID: 17576681, 9536098). Algorithms developed to predict the effect of sequence changes on RNA splicing suggest that this variant may disrupt the consensus splice site, but this prediction has not been confirmed by published transcriptional studies. This variant has not been reported in the literature in individuals with ADGRV1-related conditions. This variant is not present in population databases (ExAC no frequency). This sequence change falls in intron 34 of the ADGRV1 gene. It does not directly change the encoded amino acid sequence of the ADGRV1 protein, but it affects a nucleotide within the consensus splice site of the intron.

Literature cited by the submitters: PubMed 17576681; PubMed 9536098.

NM_032119.4(ADGRV1):c.8156-3C>A

Gene: ADGRV1 (adhesion G protein-coupled receptor V1; plus strand). Cytogenetic location: 5q14.3.
Variant type: single nucleotide variant.
Coding change: c.8156-3C>A on transcript NM_032119.4 (MANE Select); 3 bases into the intron before coding-DNA position 8156, C replaced by A.
Molecular consequence: intron variant.
Genome position (GRCh38, 1-based): chr5:90,703,662, C>A. VCF-style: chr5-90703662-C-A. GRCh37 (hg19) VCF-style: chr5-89999479-C-A.
Identifiers: ClinVar variation 962594 (VCV000962594.9), dbSNP rs1748196784, ClinGen allele CA1139658939.